The following is an entry in ClinVar:

ClinVar aggregate classification (germline): Uncertain significance. Review status: criteria provided, multiple submitters, no conflicts (2 of 4 stars). 2 submissions from 2 submitters: Uncertain significance (2). Last evaluated 2026-01-14.

Allele frequency attached by ClinVar (database versions not stated): gnomAD 0.00001; TOPMed 0.00001; ESP Exome Variant Server 0.00017.
gnomAD v4.1: 10 of 1,597,798 alleles (0.00063%); highest among the groups gnomAD compares: African/African-American, 0.0027%; no homozygotes.

Submissions (2):

Women's Health and Genetics/Laboratory Corporation of America, LabCorp
Classification: Uncertain significance. Last evaluated: 2026-01-14. Review status: criteria provided, single submitter. Criteria: LabCorp Variant Classification Summary - May 2015. Collection method: clinical testing. Allele origin: germline.
Comment: Variant summary: HERC1 c.3644G>A (p.Arg1215Gln) results in a conservative amino acid change in the encoded protein sequence. Algorithms developed to predict the effect of missense changes on protein structure and function are either unavailable or do not agree on the potential impact of this missense change. The variant allele was found at a frequency of 8.9e-06 in 223926 control chromosomes. The available data on variant occurrences in the general population are insufficient to allow any conclusion about variant significance. To our knowledge, no occurrence of c.3644G>A in individuals affected with HERC1-related conditions and no experimental evidence demonstrating its impact on protein function have been reported. ClinVar contains an entry for this variant (Variation ID: 1320716). Based on the evidence outlined above, the variant was classified as uncertain significance.

GeneDx
Classification: Uncertain significance. Last evaluated: 2020-10-21. Review status: criteria provided, single submitter. Criteria: GeneDx Variant Classification Process June 2021. Collection method: clinical testing. Allele origin: germline. Affected: yes.
Comment: Not observed at a significant frequency in large population cohorts (Lek et al., 2016); In silico analysis supports that this missense variant does not alter protein structure/function; Has not been previously published as pathogenic or benign to our knowledge

NM_003922.4(HERC1):c.3644G>A (p.Arg1215Gln)

Gene: HERC1 (HECT and RLD domain containing E3 ubiquitin protein ligase family member 1; minus strand). Cytogenetic location: 15q22.31.
Variant type: single nucleotide variant.
Coding change: c.3644G>A on transcript NM_003922.4 (MANE Select); coding-DNA position 3644, G replaced by A.
Protein change: p.Arg1215Gln; replaces arginine 1215 with glutamine.
Molecular consequence: missense variant.
Genome position (GRCh38, 1-based): chr15:63,723,280, C>T on the plus strand (G>A on the coding strand, the complement: HERC1 is on the minus strand). VCF-style: chr15-63723280-C-T. GRCh37 (hg19) VCF-style: chr15-64015479-C-T.
Other names: short protein forms R1215Q.
Identifiers: ClinVar variation 1320716 (VCV001320716.3), dbSNP rs202041791, ClinGen allele CA272109874.
Genomic context (GRCh38, chr15:63,723,280, plus strand): 5'-CTTCGGGCAGGCTCTTTAGAACAACCCAATGCCAAGTCTACATAGACAGCAATTTCAGGC[C>T]GCAATTTATAATCAAAAGGCTTCTGTTCTTCATTTCCAGAAAGTGCTACTTCTAACAGGC-3'
Protein context (NP_003913.3, residues 1205-1225): EEQKPFDYKL[Arg1215Gln]PEIAVYVDLA